The following is an entry in ClinVar:

NM_006514.4(SCN10A):c.323G>T (p.Arg108Leu)

Gene: SCN10A (sodium voltage-gated channel alpha subunit 10; minus strand). Cytogenetic location: 3p22.2.
Variant type: single nucleotide variant.
Coding change: c.323G>T on transcript NM_006514.4 (MANE Select); coding-DNA position 323, G replaced by T.
Protein change: p.Arg108Leu; replaces arginine 108 with leucine.
Molecular consequence: missense variant.
Genome position (GRCh38, 1-based): chr3:38,792,116, C>A on the plus strand (G>T on the coding strand, the complement: SCN10A is on the minus strand). VCF-style: chr3-38792116-C-A. GRCh37 (hg19) VCF-style: chr3-38833607-C-A.
Other names: c.323G>T, p.Arg108Leu (NM_001293306.2, NM_001293307.2); short protein forms R108L.
Identifiers: ClinVar variation 2625767 (VCV002625767.2), dbSNP rs141278729, ClinGen allele CA352161133.
Genomic context (GRCh38, chr3:38,792,116, plus strand): 5'-ACAGACACTTTGATGGCCGTTCTTCTGATCAGGTTGAAAGGACTGAATAGCCACAGGGCC[C>A]GAGTGGCACTAAACCGGGAAATGGTCCTCCCTTTGTTCAGCACCATAAATGTCTGAAACA-3'
Protein context (NP_006505.4, residues 98-118): GRTISRFSAT[Arg108Leu]ALWLFSPFNL

ClinVar aggregate classification (germline): Uncertain significance (1 of 4 stars; one submission).

Conditions:
Cardiovascular phenotype. Identifiers: MedGen CN230736.

gnomAD v4.1: 1 of 1,613,808 alleles (0.000062%); highest among the groups gnomAD compares: Non-Finnish European, 0.000085%; no homozygotes.

Submission:

Ambry Genetics
Classification: Uncertain significance for Cardiovascular phenotype. Last evaluated: 2023-07-27. Review status: criteria provided, single submitter. Criteria: Ambry Variant Classification Scheme 2023. Collection method: clinical testing. Allele origin: germline.
Comment: The p.R108L variant (also known as c.323G>T), located in coding exon 2 of the SCN10A gene, results from a G to T substitution at nucleotide position 323. The arginine at codon 108 is replaced by leucine, an amino acid with dissimilar properties. This amino acid position is conserved. In addition, the in silico prediction for this alteration is inconclusive. Since supporting evidence is limited at this time, the clinical significance of this alteration remains unclear.